The following is an entry in ClinVar:

NM_002047.4(GARS1):c.2165_2169del (p.Arg722fs)

Gene: GARS1 (glycyl-tRNA synthetase 1; plus strand). Cytogenetic location: 7p14.3.
Variant type: Deletion.
Coding change: c.2165_2169del on transcript NM_002047.4 (MANE Select); coding-DNA positions 2165 to 2169, 5 bases deleted (GGTAT; older notation c.2165_2169delGGTAT).
Protein change: p.Arg722fs; shifts the reading frame from arginine 722.
Molecular consequence: frameshift variant.
Genome position (GRCh38, 1-based): chr7:30,633,805-30,633,809, GGTAT deleted. VCF-style (leftmost placement, unchanged base first): chr7-30633804-AGGTAT-A. GRCh37 (hg19) VCF-style: chr7-30673420-AGGTAT-A.
Other names: c.2165_2169del (NM_002047.2); c.2003_2007del, p.Arg668fs (NM_001316772.1); c.2165_2169delGGTAT, p.Arg722Thrfs (NM_002047.2); short protein forms R668fs, R722fs.
Identifiers: ClinVar variation 2837974 (VCV002837974.4), dbSNP rs2534339396, ClinGen allele CA2739266371.

ClinVar aggregate classification (germline): Uncertain significance. Review status: criteria provided, multiple submitters, no conflicts (2 of 4 stars). 2 submissions from 2 submitters: Uncertain significance (2). Last evaluated 2023-07-20.

Conditions:
Charcot-Marie-Tooth disease type 2. Also called: Charcot-Marie-Tooth type 2. Identifiers: Orphanet 64746, MedGen C0270914, MONDO:0018993.

Submissions (2):

GeneDx
Classification: Uncertain significance. Last evaluated: 2023-07-20. Review status: criteria provided, single submitter. Criteria: GeneDx Variant Classification Process June 2021. Collection method: clinical testing. Allele origin: germline. Affected: yes.
Comment: Not observed at significant frequency in large population cohorts (gnomAD); Frameshift variant predicted to result in protein truncation as the last 18 amino acids are replaced with 3 different amino acids, although loss-of-function variants have not been reported downstream of this position in the protein; Has not been previously published as pathogenic or benign to our knowledge

Labcorp Genetics (formerly Invitae), Labcorp
Classification: Uncertain significance for Charcot-Marie-Tooth disease type 2. Last evaluated: 2023-02-18. Review status: criteria provided, single submitter. Criteria: Invitae Variant Classification Sherloc (09022015). Collection method: clinical testing. Allele origin: germline.
Comment: This sequence change creates a premature translational stop signal (p.Arg722Thrfs*4) in the GARS gene. While this is not anticipated to result in nonsense mediated decay, it is expected to disrupt the last 18 amino acid(s) of the GARS protein. This variant is not present in population databases (gnomAD no frequency). This variant has not been reported in the literature in individuals affected with GARS-related conditions. Experimental studies and prediction algorithms are not available or were not evaluated, and the functional significance of this variant is currently unknown. In summary, the available evidence is currently insufficient to determine the role of this variant in disease. Therefore, it has been classified as a Variant of Uncertain Significance.